The following is an entry in ClinVar:

ClinVar aggregate classification (germline): Benign. Review status: criteria provided, single submitter (1 of 4 stars). 2 submissions from 2 submitters: Benign (1). 1 of the submissions does not count toward it.

Allele frequency attached by ClinVar (database versions not stated): gnomAD exomes 0.00323 and 0.00786; 1000 Genomes Project 30x 0.04044; ExAC 0.00960; gnomAD 0.03062 and 0.03282; TOPMed 0.03405; ESP Exome Variant Server 0.03552; 1000 Genomes Project 0.03774.
gnomAD v4.1: 9,617 of 1,613,950 alleles (0.6%); highest among the groups gnomAD compares: African/African-American, 11%; 462 homozygotes.

Submissions (2):

Breakthrough Genomics
Classification: Benign. Review status: criteria provided, single submitter. Criteria: ACMG Guidelines, 2015. Collection method: not provided. Allele origin: germline. Inheritance: Autosomal dominant inheritance. Affected: yes.

Genetic Services Laboratory, University of Chicago
Classification: Likely benign for AllHighlyPenetrant. Review status: no assertion criteria provided. Collection method: clinical testing. Allele origin: germline. Not counted in ClinVar's aggregate classification.
Comment: Likely benign based on allele frequency in 1000 Genomes Project or ESP global frequency and its presence in a patient with a rare or unrelated disease phenotype. NOT Sanger confirmed.

NM_004409.5(DMPK):c.504G>A (p.Pro168=)

Gene: DMPK (DM1 protein kinase; minus strand). Cytogenetic location: 19q13.32.
Variant type: single nucleotide variant.
Coding change: c.504G>A on transcript NM_004409.5 (MANE Select); coding-DNA position 504, G replaced by A.
Protein change: p.Pro168=; no amino-acid change (proline 168 retained).
Molecular consequence: synonymous variant.
Genome position (GRCh38, 1-based): chr19:45,778,570, C>T on the plus strand (G>A on the coding strand, the complement: DMPK is on the minus strand). VCF-style: chr19-45778570-C-T. GRCh37 (hg19) VCF-style: chr19-46281828-C-T.
Other names: c.504G>A, p.Pro168= (NM_001081560.3, NM_001081562.3, NM_001288766.2 and 5 more transcripts); c.534G>A, p.Pro178= (NM_001081563.3); c.582G>A, p.Pro194= (NM_001288764.2, NM_001424163.1); c.237G>A, p.Pro79= (NM_001288765.2); c.63G>A, p.Pro21= (NM_001424166.1).
Identifiers: ClinVar variation 128901 (VCV000128901.7), dbSNP rs34510782, ClinGen allele CA152582.